The following is an entry in ClinVar:

NM_139027.6(ADAMTS13):c.3835G>A (p.Ala1279Thr)

Gene: ADAMTS13 (ADAM metallopeptidase with thrombospondin type 1 motif 13; plus strand). Cytogenetic location: 9q34.2.
Variant type: single nucleotide variant.
Coding change: c.3835G>A on transcript NM_139027.6 (MANE Select); coding-DNA position 3835, G replaced by A.
Protein change: p.Ala1279Thr; replaces alanine 1279 with threonine.
Molecular consequence: missense variant.
Genome position (GRCh38, 1-based): chr9:133,458,020, G>A. VCF-style: chr9-133458020-G-A. GRCh37 (hg19) VCF-style: chr9-136323142-G-A.
Other names: c.4003G>A, p.Ala1335Thr (NM_139025.5); c.3742G>A, p.Ala1248Thr (NM_139026.6); short protein forms A1248T, A1279T, A1335T.
Identifiers: ClinVar variation 1917534 (VCV001917534.5), dbSNP rs374154360, ClinGen allele CA200946786.

ClinVar aggregate classification (germline): Uncertain significance (1 of 4 stars; one submission).

Allele frequency attached by ClinVar (database versions not stated): gnomAD 0.00001; gnomAD exomes 0.00001; TOPMed 0.00001; ExAC 0.00002; ESP Exome Variant Server 0.00008.
gnomAD v4.1: 15 of 1,613,288 alleles (0.00093%); highest among the groups gnomAD compares: Middle Eastern, 0.049%; 1 homozygote.

Submission:

Labcorp Genetics (formerly Invitae), Labcorp
Classification: Uncertain significance. Last evaluated: 2022-05-20. Review status: criteria provided, single submitter. Criteria: Invitae Variant Classification Sherloc (09022015). Collection method: clinical testing. Allele origin: germline.
Comment: This sequence change replaces alanine, which is neutral and non-polar, with threonine, which is neutral and polar, at codon 1335 of the ADAMTS13 protein (p.Ala1335Thr). This variant is present in population databases (rs374154360, gnomAD 0.008%). In summary, the available evidence is currently insufficient to determine the role of this variant in disease. Therefore, it has been classified as a Variant of Uncertain Significance. Algorithms developed to predict the effect of missense changes on protein structure and function output the following: SIFT: "Tolerated"; PolyPhen-2: "Benign"; Align-GVGD: "Class C0". The threonine amino acid residue is found in multiple mammalian species, which suggests that this missense change does not adversely affect protein function. This variant has not been reported in the literature in individuals affected with ADAMTS13-related conditions.